The following is an entry in ClinVar:

NM_013262.4(MYLIP):c.87+2T>C

Genes: MYLIP (myosin regulatory light chain interacting protein; plus strand), LOC129995898 (ATAC-STARR-seq lymphoblastoid silent region 16955; plus strand). Cytogenetic location: 6p22.3.
Variant type: single nucleotide variant.
Coding change: c.87+2T>C on transcript NM_013262.4 (MANE Select); the canonical splice donor site of the intron after coding-DNA position 87, T replaced by C.
Molecular consequence: splice donor variant.
Genome position (GRCh38, 1-based): chr6:16,129,411, T>C. VCF-style: chr6-16129411-T-C. GRCh37 (hg19) VCF-style: chr6-16129642-T-C.
Identifiers: ClinVar variation 2963919 (VCV002963919.3), dbSNP rs752327773, ClinGen allele CA135321986.

ClinVar aggregate classification (germline): Uncertain significance (1 of 4 stars; one submission).

Allele frequency attached by ClinVar (database versions not stated): TOPMed below 0.00001.
gnomAD v4.1: 21 of 1,581,740 alleles (0.0013%); highest among the groups gnomAD compares: Non-Finnish European, 0.0017%; no homozygotes.

Submission:

Labcorp Genetics (formerly Invitae), Labcorp
Classification: Uncertain significance. Last evaluated: 2023-01-23. Review status: criteria provided, single submitter. Criteria: Invitae Variant Classification Sherloc (09022015). Collection method: clinical testing. Allele origin: germline.
Comment: This sequence change affects a donor splice site in intron 1 of the MYLIP gene. It is expected to disrupt RNA splicing. Variants that disrupt the donor or acceptor splice site typically lead to a loss of protein function (PMID: 16199547), however the current clinical and genetic evidence is not sufficient to establish whether loss-of-function variants in MYLIP cause disease. This variant is not present in population databases (gnomAD no frequency). This variant has not been reported in the literature in individuals affected with MYLIP-related conditions. Algorithms developed to predict the effect of sequence changes on RNA splicing suggest that this variant may disrupt the consensus splice site. In summary, the available evidence is currently insufficient to determine the role of this variant in disease. Therefore, it has been classified as a Variant of Uncertain Significance.

Literature cited by the submitters: PubMed 16199547.